The following is an entry in ClinVar:

NM_020949.3(SLC7A14):c.1494del (p.Lys498fs)

Genes: SLC7A14 (solute carrier family 7 member 14; minus strand), SLC7A14-AS1 (SLC7A14 antisense RNA 1; plus strand). Cytogenetic location: 3q26.2.
Variant type: Deletion.
Coding change: c.1494del on transcript NM_020949.3 (MANE Select); coding-DNA position 1494, one base deleted (A; older notation c.1494delA).
Protein change: p.Lys498fs; shifts the reading frame from lysine 498.
Molecular consequence: frameshift variant.
Genome position (GRCh38, 1-based): chr3:170,480,788, T deleted on the plus strand (A on the coding strand, the reverse complement: SLC7A14 is on the minus strand); the first of 3 consecutive T bases (chr3:170,480,788-170,480,790); deleting any one gives the same sequence. VCF-style (leftmost placement, unchanged base first): chr3-170480787-AT-A. GRCh37 (hg19) VCF-style: chr3-170198576-AT-A.
Other names: short protein forms K498fs.
Identifiers: ClinVar variation 2104234 (VCV002104234.4), dbSNP rs2473367735, ClinGen allele CA2580069075.

ClinVar aggregate classification (germline): Uncertain significance (1 of 4 stars; one submission).

Submission:

Labcorp Genetics (formerly Invitae), Labcorp
Classification: Uncertain significance. Last evaluated: 2022-02-28. Review status: criteria provided, single submitter. Criteria: Invitae Variant Classification Sherloc (09022015). Collection method: clinical testing. Allele origin: germline.
Comment: This sequence change creates a premature translational stop signal (p.Lys498Asnfs*19) in the SLC7A14 gene. It is expected to result in an absent or disrupted protein product. However, the current clinical and genetic evidence is not sufficient to establish whether loss-of-function variants in SLC7A14 cause disease. In summary, the available evidence is currently insufficient to determine the role of this variant in disease. Therefore, it has been classified as a Variant of Uncertain Significance. Experimental studies and prediction algorithms are not available or were not evaluated, and the functional significance of this variant is currently unknown. This variant has not been reported in the literature in individuals affected with SLC7A14-related conditions. This variant is not present in population databases (gnomAD no frequency).